The following is an entry in ClinVar:

NM_001374736.1(DST):c.14144A>G (p.Lys4715Arg)

Genes: DST (dystonin; minus strand), LOC129389544 (MPRA-validated peak5860 silencer; plus strand). Cytogenetic location: 6p12.1.
Variant type: single nucleotide variant.
Coding change: c.14144A>G on transcript NM_001374736.1 (MANE Select); coding-DNA position 14144, A replaced by G.
Protein change: p.Lys4715Arg; replaces lysine 4715 with arginine.
Molecular consequence: missense variant.
Genome position (GRCh38, 1-based): chr6:56,561,474, T>C on the plus strand (A>G on the coding strand, the complement: DST is on the minus strand). VCF-style: chr6-56561474-T-C. GRCh37 (hg19) VCF-style: chr6-56426272-T-C.
Other names: c.14144A>G, p.Lys4715Arg (NM_001374722.1); c.13511A>G, p.Lys4504Arg (NM_001374729.1); c.7253A>G, p.Lys2418Arg (NM_001374730.1, NM_183380.4); c.14171A>G, p.Lys4724Arg (NM_001374734.1); c.6275A>G, p.Lys2092Arg (NM_015548.5); c.7787A>G, p.Lys2596Arg (NM_001144769.5); c.7373A>G, p.Lys2458Arg (NM_001144770.2); short protein forms K2596R, K4504R, K4715R, K2092R, K2418R, K2458R, K4724R.
Identifiers: ClinVar variation 970020 (VCV000970020.10), dbSNP rs199706428, ClinGen allele CA3868084.
Genomic context (GRCh38, chr6:56,561,474, plus strand): 5'-GCACTTGATTCTTCCTGAGCCTTTTGCAATTTGGAGAGTTTAGTGTTCAGTTCCGCTATT[T>C]TGTCCTTGAGTAAGAGGCCAAGATCTTCATAACCATGACTTATGTCAGTCATGTCCTTTT-3'
Protein context (NP_001361665.1, residues 4705-4725): YEDLGLLLKD[Lys4715Arg]IAELNTKLSK

ClinVar aggregate classification (germline): Uncertain significance (1 of 4 stars; one submission).

Conditions:
Epidermolysis bullosa simplex 3, localized or generalized intermediate, with BP230 deficiency (EBS3). Also called: Epidermolysis bullosa simplex, autosomal recessive 2; Epidermolysis bullosa simplex due to BP230 deficiency. Identifiers: Orphanet 412181, MedGen C3809470, MONDO:0014180, OMIM 615425.
Hereditary sensory and autonomic neuropathy type 6. Also called: Neuropathy, hereditary sensory and autonomic, type VI; HSAN VI. Identifiers: Orphanet 314381, MedGen C3539003, MONDO:0013839, OMIM 614653.

Allele frequency attached by ClinVar (database versions not stated): TOPMed below 0.00001; gnomAD 0.00001 and 0.00003; gnomAD exomes 0.00004 and 0.00010; ExAC 0.00007; 1000 Genomes Project 30x 0.00016; 1000 Genomes Project 0.00020.
gnomAD v4.1: 64 of 1,613,898 alleles (0.004%); highest among the groups gnomAD compares: East Asian, 0.14%; no homozygotes.

Submission:

Labcorp Genetics (formerly Invitae), Labcorp
Classification: Uncertain significance for Epidermolysis bullosa simplex 3, localized or generalized intermediate, with BP230 deficiency; Hereditary sensory and autonomic neuropathy type 6. Last evaluated: 2022-08-16. Review status: criteria provided, single submitter. Criteria: Invitae Variant Classification Sherloc (09022015). Collection method: clinical testing. Allele origin: germline.
Comment: In summary, the available evidence is currently insufficient to determine the role of this variant in disease. Therefore, it has been classified as a Variant of Uncertain Significance. Experimental studies and prediction algorithms are not available or were not evaluated, and the functional significance of this variant is currently unknown. The DST gene has multiple clinically relevant transcripts. This variant occurs in alternate transcript NM_015548.4, and corresponds to NM_001723.5:c.*54043A>G in the primary transcript. This sequence change replaces lysine, which is basic and polar, with arginine, which is basic and polar, at codon 2092 of the DST protein (p.Lys2092Arg). This variant is present in population databases (rs199706428, gnomAD 0.06%). This variant has not been reported in the literature in individuals affected with DST-related conditions.